The following is an entry in ClinVar:

ClinVar aggregate classification (germline): Conflicting classifications of pathogenicity. Review status: criteria provided, conflicting classifications (1 of 4 stars). 6 submissions from 6 submitters: Pathogenic (1); Likely benign (5). Last evaluated 2025-12-28.

Conditions:
Cardiovascular phenotype. Identifiers: MedGen CN230736.
Hereditary cancer-predisposing syndrome. Also called: Neoplastic Syndromes, Hereditary; Tumor predisposition; Hereditary Cancer Syndrome; Hereditary neoplastic syndrome. Identifiers: Orphanet 140162, MedGen C0027672, MeSH D009386, MONDO:0015356.
Myeloproliferative neoplasm, unclassifiable. Identifiers: Orphanet 86830, MedGen C1333046, MONDO:0019452.
Neurofibromatosis, type 1 (NF1). Also called: VON RECKLINGHAUSEN DISEASE; NEUROFIBROMATOSIS, TYPE I, SOMATIC; Peripheral type neurofibromatosis; Neurofibromatosis, type I. Identifiers: Orphanet 636, MedGen C0027831, MONDO:0018975, OMIM 162200. Disease mechanism: loss of function.

Allele frequency attached by ClinVar (database versions not stated): gnomAD 0.00001; gnomAD exomes 0.00006 and 0.00012; ExAC 0.00010.
gnomAD v4.1: 88 of 1,613,904 alleles (0.0055%); highest among the groups gnomAD compares: South Asian, 0.087%; 1 homozygote.

Submissions (6):

Labcorp Genetics (formerly Invitae), Labcorp
Classification: Likely benign for Neurofibromatosis, type 1. Last evaluated: 2025-12-28. Review status: criteria provided, single submitter. Criteria: Invitae Variant Classification Sherloc (09022015). Collection method: clinical testing. Allele origin: germline.

Blueprint Genetics
Classification: Likely benign. Last evaluated: 2023-12-28. Review status: criteria provided, single submitter. Criteria: ACMG Guidelines, 2015. Collection method: clinical testing. Allele origin: germline.

Women's Health and Genetics/Laboratory Corporation of America, LabCorp
Classification: Likely benign. Last evaluated: 2023-10-24. Review status: criteria provided, single submitter. Criteria: LabCorp Variant Classification Summary - May 2015. Collection method: clinical testing. Allele origin: germline.
Comment: Variant summary: NF1 c.3395G>A (p.Arg1132His) results in a non-conservative amino acid change in the encoded protein sequence. Four of five in-silico tools predict a damaging effect of the variant on protein function. The variant allele was found at a frequency of 0.00012 in 251420 control chromosomes, predominantly at a frequency of 0.00088 within the South Asian subpopulation in the gnomAD database, including 2 homozygotes. The observed variant frequency within South Asian control individuals in the gnomAD database is approximately 4 fold of the estimated maximal expected allele frequency for a pathogenic variant in NF1 causing Neurofibromatosis Type 1 phenotype (0.00021), strongly suggesting that the variant is a benign polymorphism found primarily in populations of South Asian origin. To our knowledge, no occurrence of c.3395G>A in individuals affected with Neurofibromatosis Type 1 and no experimental evidence demonstrating its impact on protein function have been reported. Three submitters have cited clinical-significance assessments for this variant to ClinVar after 2014. All submitters classified the variant as likely benign. Based on the evidence outlined above, the variant was classified as likely benign.

Dept. of Cytogenetics, ICMR- National Institute of Immunohaematology
Classification: Pathogenic for Myeloproliferative neoplasm, unclassifiable. Last evaluated: 2022-08-25. Review status: criteria provided, single submitter. Criteria: Oncogenicity SOP (ClinGen, CGC, VICC guidelines) 2022. Collection method: clinical testing. Allele origin: somatic. Affected: yes. Observed: 1 variant allele.

GeneDx
Classification: Likely benign. Last evaluated: 2022-04-11. Review status: criteria provided, single submitter. Criteria: GeneDx Variant Classification Process June 2021. Collection method: clinical testing. Allele origin: germline. Affected: yes.
Comment: In silico analysis supports that this missense variant has a deleterious effect on protein structure/function; Has not been previously published as pathogenic or benign germline variant to our knowledge; This variant is associated with the following publications: (PMID: 25486365, 2121369, 22807134, 28524162, 30132154)

Ambry Genetics
Classification: Likely benign for Cardiovascular phenotype; Hereditary cancer-predisposing syndrome. Last evaluated: 2021-05-06. Review status: criteria provided, single submitter. Criteria: Ambry Variant Classification Scheme 2023. Collection method: clinical testing. Allele origin: germline.

Literature cited by the submitters: PubMed 10678181 (cited by Women's Health and Genetics/Laboratory Corporation of America, LabCorp); PubMed 23460398 (cited by Women's Health and Genetics/Laboratory Corporation of America, LabCorp); PubMed 29872168 (cited by Women's Health and Genetics/Laboratory Corporation of America, LabCorp); PubMed 27069254 (cited by Women's Health and Genetics/Laboratory Corporation of America, LabCorp).

NM_001042492.3(NF1):c.3395G>A (p.Arg1132His)

Gene: NF1 (neurofibromin 1; plus strand). Cytogenetic location: 17q11.2.
Variant type: single nucleotide variant.
Coding change: c.3395G>A on transcript NM_001042492.3 (MANE Select); coding-DNA position 3395, G replaced by A.
Protein change: p.Arg1132His; replaces arginine 1132 with histidine.
Molecular consequence: missense variant.
Genome position (GRCh38, 1-based): chr17:31,232,780, G>A. VCF-style: chr17-31232780-G-A. GRCh37 (hg19) VCF-style: chr17-29559798-G-A.
Other names: c.3395G>A, p.Arg1132His (NM_000267.4); short protein forms R1132H.
Identifiers: ClinVar variation 404453 (VCV000404453.18), dbSNP rs778920556, ClinGen allele CA8486162.